The following is an entry in ClinVar:

NM_000059.4(BRCA2):c.564G>A (p.Val188=)

Gene: BRCA2 (BRCA2 DNA repair associated; plus strand). Cytogenetic location: 13q13.1.
Variant type: single nucleotide variant.
Coding change: c.564G>A on transcript NM_000059.4 (MANE Select); coding-DNA position 564, G replaced by A.
Protein change: p.Val188=; no amino-acid change (valine 188 retained).
Molecular consequence: synonymous variant. On other transcripts: non-coding transcript variant (1).
Genome position (GRCh38, 1-based): chr13:32,326,546, G>A. VCF-style: chr13-32326546-G-A. GRCh37 (hg19) VCF-style: chr13-32900683-G-A.
Other names: c.564G>A, p.Val188= (NM_001406719.1, NM_001406720.1, NM_001406721.1); c.195G>A, p.Val65= (NM_001406722.1).
Identifiers: ClinVar variation 1748851 (VCV001748851.8), dbSNP rs1387758193, ClinGen allele CA483273858.

ClinVar aggregate classification (germline): Uncertain significance. Review status: criteria provided, multiple submitters, no conflicts (2 of 4 stars). 3 submissions from 3 submitters: Uncertain significance (3). Last evaluated 2025-05-20.

Conditions:
Hereditary breast ovarian cancer syndrome. Also called: Hereditary breast and ovarian cancer; BRCA1- and BRCA2-Associated Hereditary Breast and Ovarian Cancer; Hereditary breast and ovarian cancer syndrome (HBOC); Hereditary breast and ovarian cancer syndrome; Breast and ovarian cancer; Hereditary breast and/or ovarian cancer syndrome. Identifiers: Orphanet 145, MedGen C0677776, MeSH D061325, MONDO:0003582. Disease mechanism: loss of function.
Hereditary cancer-predisposing syndrome. Also called: Hereditary Cancer Syndrome; Hereditary neoplastic syndrome; Neoplastic Syndromes, Hereditary; Tumor predisposition. Identifiers: Orphanet 140162, MedGen C0027672, MeSH D009386, MONDO:0015356.

Allele frequency attached by ClinVar (database versions not stated): gnomAD exomes below 0.00001.
gnomAD v4.1: 1 of 1,614,054 alleles (0.000062%); highest among the groups gnomAD compares: South Asian, 0.0011%; no homozygotes.

Submissions (3):

Quest Diagnostics Nichols Institute San Juan Capistrano
Classification: Uncertain significance. Last evaluated: 2025-05-20. Review status: criteria provided, single submitter. Criteria: Quest Diagnostics criteria. Collection method: clinical testing. Allele origin: unknown.
Comment: The BRCA2 c.564G>A (p.Val188=) synonymous variant has not been reported in individuals with BRCA2-related conditions in the published literature. A functionals study demonstrated that this variant affects BRCA2 mRNA splicing and results in exon 7 skipping on a mini-gene assay (PMID: 36446827 (2023)). The frequency of this variant in the general population (Genome Aggregation Database) is uninformative in the assessment of its pathogenicity. Analysis of this variant using software algorithms for the prediction of the effect of nucleotide changes on splicing yielded predictions that this variant does not affect BRCA2 mRNA splicing. Based on the available information, we are unable to determine the clinical significance of this variant.

Labcorp Genetics (formerly Invitae), Labcorp
Classification: Uncertain significance for Hereditary breast ovarian cancer syndrome. Last evaluated: 2025-05-07. Review status: criteria provided, single submitter. Criteria: Invitae Variant Classification Sherloc (09022015). Collection method: clinical testing. Allele origin: germline.
Comment: This sequence change affects codon 188 of the BRCA2 mRNA. It is a 'silent' change, meaning that it does not change the encoded amino acid sequence of the BRCA2 protein. This variant is present in population databases (no rsID available, gnomAD 0.003%). This variant has not been reported in the literature in individuals affected with BRCA2-related conditions. ClinVar contains an entry for this variant (Variation ID: 1748851). Algorithms developed to predict the effect of sequence changes on RNA splicing suggest that this variant may disrupt the consensus splice site. In summary, the available evidence is currently insufficient to determine the role of this variant in disease. Therefore, it has been classified as a Variant of Uncertain Significance.

Ambry Genetics
Classification: Uncertain significance for Hereditary cancer-predisposing syndrome. Last evaluated: 2025-03-04. Review status: criteria provided, single submitter. Criteria: Ambry Variant Classification Scheme 2023. Collection method: clinical testing. Allele origin: germline.
Comment: The c.564G>A variant (also known as p.V188V) is located in coding exon 6 of the BRCA2 gene. This variant results from a G to A substitution at nucleotide position 564. This nucleotide substitution does not change the valine at codon 188. This nucleotide position is well conserved in available vertebrate species. In silico splice site analysis predicts that this alteration may weaken the native splice acceptor site. RNA studies have demonstrated that this alteration results in an incomplete splice defect; the clinical impact of this abnormal splicing is unknown at this time (Ambry internal data). Based on the available evidence, the clinical significance of this variant remains unclear.

Literature cited by the submitters: PubMed 36446827 (cited by Quest Diagnostics Nichols Institute San Juan Capistrano and Ambry Genetics).